The following is an entry in ClinVar:

NM_018055.5(NODAL):c.317_318dup (p.Gly107fs)

Gene: NODAL (nodal growth differentiation factor; minus strand). Cytogenetic location: 10q22.1.
Variant type: Duplication.
Coding change: c.317_318dup on transcript NM_018055.5 (MANE Select); coding-DNA positions 317 to 318, 2 bases duplicated (AG; older notation c.317_318dupAG).
Protein change: p.Gly107fs; shifts the reading frame from glycine 107.
Molecular consequence: frameshift variant. On other transcripts: 5 prime UTR variant (1).
Genome position (GRCh38, 1-based): chr10:70,435,859-70,435,860, CT duplicated on the plus strand (AG on the coding strand, the reverse complement: NODAL is on the minus strand); duplicating any 2 consecutive bases within chr10:70,435,859-70,435,861 gives the same sequence; the c. name uses the placement nearest the transcript's 3' end. VCF-style (leftmost placement, unchanged base first): chr10-70435858-C-CCT. GRCh37 (hg19) VCF-style: chr10-72195614-C-CCT.
Other names: c.-83_-82dup (NM_001329906.2); short protein forms G107fs.
Identifiers: ClinVar variation 3340587 (VCV003340587.1).

ClinVar aggregate classification (germline): Pathogenic (1 of 4 stars; one submission).

Submission:

GeneDx
Classification: Pathogenic. Last evaluated: 2023-11-05. Review status: criteria provided, single submitter. Criteria: GeneDx Variant Classification Process June 2021. Collection method: clinical testing. Allele origin: germline. Affected: yes.
Comment: Frameshift variant predicted to result in protein truncation or nonsense mediated decay in a gene for which loss of function is a known mechanism of disease; Not observed at significant frequency in large population cohorts (gnomAD); This variant is associated with the following publications: (PMID: 26121141)